The following is an entry in ClinVar:

ClinVar aggregate classification (germline): Uncertain significance (1 of 4 stars; one submission).

Conditions:
Senior-Loken syndrome 7 (SLSN7). Identifiers: Orphanet 3156, MedGen C3150877, MONDO:0013326, OMIM 613615.
Bardet-Biedl syndrome 16 (BBS16). Identifiers: Orphanet 110, MedGen C3889474, MONDO:0014444, OMIM 615993.

Submission:

Labcorp Genetics (formerly Invitae), Labcorp
Classification: Uncertain significance for Bardet-Biedl syndrome 16; Senior-Loken syndrome 7. Last evaluated: 2022-09-06. Review status: criteria provided, single submitter. Criteria: Invitae Variant Classification Sherloc (09022015). Collection method: clinical testing. Allele origin: germline.
Comment: In summary, the available evidence is currently insufficient to determine the role of this variant in disease. Therefore, it has been classified as a Variant of Uncertain Significance. Algorithms developed to predict the effect of missense changes on protein structure and function are either unavailable or do not agree on the potential impact of this missense change (SIFT: "Deleterious"; PolyPhen-2: "Possibly Damaging"; Align-GVGD: "Class C0"). ClinVar contains an entry for this variant (Variation ID: 1435244). This variant has not been reported in the literature in individuals affected with SDCCAG8-related conditions. This variant is not present in population databases (gnomAD no frequency). This sequence change replaces glutamine, which is neutral and polar, with glutamic acid, which is acidic and polar, at codon 254 of the SDCCAG8 protein (p.Gln254Glu).

NM_006642.5(SDCCAG8):c.760C>G (p.Gln254Glu)

Gene: SDCCAG8 (SHH signaling and ciliogenesis regulator SDCCAG8; plus strand). Cytogenetic location: 1q43.
Variant type: single nucleotide variant.
Coding change: c.760C>G on transcript NM_006642.5 (MANE Select); coding-DNA position 760, C replaced by G.
Protein change: p.Gln254Glu; replaces glutamine 254 with glutamic acid.
Molecular consequence: missense variant. On other transcripts: 5 prime UTR variant (3).
Genome position (GRCh38, 1-based): chr1:243,308,008, C>G. VCF-style: chr1-243308008-C-G. GRCh37 (hg19) VCF-style: chr1-243471310-C-G.
Other names: c.-144C>G (NM_001350246.2, NM_001350247.2, NM_001350251.2); c.856C>G, p.Gln286Glu (NM_001350248.2); c.466C>G, p.Gln156Glu (NM_001350249.2); short protein forms Q156E, Q254E, Q286E.
Identifiers: ClinVar variation 1435244 (VCV001435244.8), dbSNP rs2149319564, ClinGen allele CA345478996.